The following is an entry in ClinVar:

NM_016373.4(WWOX):c.579T>C (p.Phe193=)

Gene: WWOX (WW domain containing oxidoreductase; plus strand). Cytogenetic location: 16q23.1.
Variant type: single nucleotide variant.
Coding change: c.579T>C on transcript NM_016373.4 (MANE Select); coding-DNA position 579, T replaced by C.
Protein change: p.Phe193=; no amino-acid change (phenylalanine 193 retained).
Molecular consequence: synonymous variant.
Genome position (GRCh38, 1-based): chr16:78,386,922, T>C. VCF-style: chr16-78386922-T-C. GRCh37 (hg19) VCF-style: chr16-78420819-T-C.
Other names: c.240T>C, p.Phe80= (NM_001291997.2).
Identifiers: ClinVar variation 509250 (VCV000509250.41), dbSNP rs554077107, ClinGen allele CA8183343.
Genomic context (GRCh38, chr16:78,386,922, plus strand): 5'-TAAAGCCAAGGTAGAAGCAATGACCCTGGACCTCGCTCTGCTCCGTAGCGTGCAGCATTT[T>C]GCTGAAGCATTCAAGGCCAAGAATGTGTGAGTGTTCCAGTGGAGGGTTATAGATCATAAT-3'
Protein context (NP_057457.1, residues 183-203): DLALLRSVQH[Phe193=]AEAFKAKNVP

ClinVar aggregate classification (germline): Likely benign. Review status: criteria provided, multiple submitters, no conflicts (2 of 4 stars). 3 submissions from 3 submitters: Likely benign (3). Last evaluated 2025-10-01.

Conditions:
Autosomal recessive spinocerebellar ataxia 12. Also called: SPINOCEREBELLAR ATAXIA WITH MENTAL RETARDATION AND EPILEPSY. Identifiers: Orphanet 284282, MedGen C3280452, MONDO:0013687, OMIM 614322.
Developmental and epileptic encephalopathy, 1 (DEE1). Also called: X-linked infantile spasms; West's syndrome; Tonic spasms with clustering, arrest of psychomotor development and hypsarrhythmia on EEG; X-Linked Infantile Spasm Syndrome; Epileptic encephalopathy, early infantile, 1; OHTAHARA SYNDROME, X-LINKED. Identifiers: MedGen C3463992, MONDO:0010632, OMIM 308350. Disease mechanism: loss of function.

Allele frequency attached by ClinVar (database versions not stated): gnomAD 0.00001 and 0.00003; TOPMed 0.00001; gnomAD exomes 0.00006 and 0.00018; ExAC 0.00025; 1000 Genomes Project 30x 0.00031; 1000 Genomes Project 0.00040.
gnomAD v4.1: 92 of 1,614,162 alleles (0.0057%); highest among the groups gnomAD compares: South Asian, 0.097%; 1 homozygote.

Submissions (3):

CeGaT Center for Human Genetics Tuebingen
Classification: Likely benign. Last evaluated: 2025-10-01. Review status: criteria provided, single submitter. Criteria: CeGaT Center For Human Genetics Tuebingen Variant Classification Criteria Version 2. Collection method: clinical testing. Allele origin: germline. Affected: yes. Observed: 2 variant alleles.
Comment: WWOX: BP4, BP7

Labcorp Genetics (formerly Invitae), Labcorp
Classification: Likely benign for Developmental and epileptic encephalopathy, 1; Autosomal recessive spinocerebellar ataxia 12. Last evaluated: 2024-11-27. Review status: criteria provided, single submitter. Criteria: Invitae Variant Classification Sherloc (09022015). Collection method: clinical testing. Allele origin: germline.

GeneDx
Classification: Likely benign. Last evaluated: 2017-04-28. Review status: criteria provided, single submitter. Criteria: GeneDx Variant Classification (06012015). Collection method: clinical testing. Allele origin: germline. Affected: yes.
Comment: This variant is considered likely benign or benign based on one or more of the following criteria: it is a conservative change, it occurs at a poorly conserved position in the protein, it is predicted to be benign by multiple in silico algorithms, and/or has population frequency not consistent with disease.